The following is an entry in ClinVar:

ClinVar aggregate classification (germline): Pathogenic. Review status: criteria provided, multiple submitters, no conflicts (2 of 4 stars). 4 submissions from 4 submitters: Pathogenic (4). Last evaluated 2024-11-27.

Conditions:
Hereditary cancer-predisposing syndrome. Also called: Neoplastic Syndromes, Hereditary; Hereditary neoplastic syndrome; Tumor predisposition; Hereditary Cancer Syndrome. Identifiers: Orphanet 140162, MedGen C0027672, MeSH D009386, MONDO:0015356.
Familial cancer of breast. Also called: Hereditary breast cancer; BREAST CANCER, FAMILIAL; hereditary breast carcinoma. Identifiers: Orphanet 227535, MedGen C0346153, MONDO:0016419, OMIM 114480. Disease mechanism: loss of function.
Fanconi anemia complementation group J. Also called: BRIP1-Related Fanconi Anemia. Identifiers: Orphanet 84, MedGen C1836860, MONDO:0012187, OMIM 609054.

Submissions (4):

Labcorp Genetics (formerly Invitae), Labcorp
Classification: Pathogenic for Familial cancer of breast; Fanconi anemia complementation group J. Last evaluated: 2024-11-27. Review status: criteria provided, single submitter. Criteria: Invitae Variant Classification Sherloc (09022015). Collection method: clinical testing. Allele origin: germline.
Comment: This sequence change creates a premature translational stop signal (p.Asn203Thrfs*71) in the BRIP1 gene. It is expected to result in an absent or disrupted protein product. Loss-of-function variants in BRIP1 are known to be pathogenic (PMID: 16116423, 17033622, 21964575). This variant is not present in population databases (gnomAD no frequency). This variant has not been reported in the literature in individuals affected with BRIP1-related conditions. ClinVar contains an entry for this variant (Variation ID: 663656). For these reasons, this variant has been classified as Pathogenic.

Myriad Genetics, Inc.
Classification: Pathogenic for Familial cancer of breast. Last evaluated: 2023-05-31. Review status: criteria provided, single submitter. Criteria: Myriad Autosomal Dominant, Autosomal Recessive and X-Linked Classification Criteria (2023). Collection method: clinical testing. Allele origin: unknown.
Comment: This variant is considered pathogenic. This variant creates a frameshift predicted to result in premature protein truncation.

Ambry Genetics
Classification: Pathogenic for Hereditary cancer-predisposing syndrome. Last evaluated: 2023-01-11. Review status: criteria provided, single submitter. Criteria: Ambry Variant Classification Scheme 2023. Collection method: clinical testing. Allele origin: germline.
Comment: The c.608delA pathogenic mutation, located in coding exon 5 of the BRIP1 gene, results from a deletion of one nucleotide at nucleotide position 608, causing a translational frameshift with a predicted alternate stop codon (p.N203Tfs*71). This variant is considered to be rare based on population cohorts in the Genome Aggregation Database (gnomAD). This alteration is expected to result in loss of function by premature protein truncation or nonsense-mediated mRNA decay. As such, this alteration is interpreted as a disease-causing mutation.

Color Diagnostics, LLC DBA Color Health
Classification: Pathogenic for Hereditary cancer-predisposing syndrome. Last evaluated: 2021-05-17. Review status: criteria provided, single submitter. Criteria: ACMG Guidelines, 2015. Collection method: clinical testing. Allele origin: germline.
Comment: This variant deletes 1 nucleotide in exon 6 of the BRIP1 gene, creating a frameshift and premature translation stop signal. This variant is expected to result in an absent or non-functional protein product. To our knowledge, this variant has not been reported in individuals affected with hereditary cancer in the literature. This variant has not been identified in the general population by the Genome Aggregation Database (gnomAD). Loss of BRIP1 function is a known mechanism of disease. Based on the available evidence, this variant is classified as Pathogenic.

Literature cited by the submitters: PubMed 16116423 (cited by Labcorp Genetics (formerly Invitae), Labcorp); PubMed 17033622 (cited by Labcorp Genetics (formerly Invitae), Labcorp); PubMed 21964575 (cited by Labcorp Genetics (formerly Invitae), Labcorp).

NM_032043.3(BRIP1):c.608del (p.Asn203fs)

Gene: BRIP1 (BRCA1 interacting DNA helicase 1; minus strand). Cytogenetic location: 17q23.2.
Variant type: Deletion.
Coding change: c.608del on transcript NM_032043.3 (MANE Select); coding-DNA position 608, one base deleted (A; older notation c.608delA).
Protein change: p.Asn203fs; shifts the reading frame from asparagine 203.
Molecular consequence: frameshift variant.
Genome position (GRCh38, 1-based): chr17:61,847,120, T deleted on the plus strand (A on the coding strand, the reverse complement: BRIP1 is on the minus strand); the first of 3 consecutive T bases (chr17:61,847,120-61,847,122); deleting any one gives the same sequence. VCF-style (leftmost placement, unchanged base first): chr17-61847119-GT-G. GRCh37 (hg19) VCF-style: chr17-59924480-GT-G.
Other names: c.608delA (NM_032043.2); short protein forms N203fs.
Identifiers: ClinVar variation 663656 (VCV000663656.16), dbSNP rs1603361570, ClinGen allele CA915950665.